The following is an entry in ClinVar:

ClinVar aggregate classification (germline): Uncertain significance (1 of 4 stars; one submission).

Conditions:
Glycogen storage disease, type II (IOPD). Also called: Glucosidase acid-1,4-alpha deficiency; Pompe Disease; POMPE DISEASE, INFANTILE-ONSET; GLYCOGEN STORAGE DISEASE II, INFANTILE-ONSET; ACID ALPHA-GLUCOSIDASE DEFICIENCY, INFANTILE-ONSET; GAA DEFICIENCY, INFANTILE-ONSET. Identifiers: Orphanet 365, MedGen C0017921, MONDO:0009290, OMIM 232300.

Submission:

Labcorp Genetics (formerly Invitae), Labcorp
Classification: Uncertain significance for Glycogen storage disease, type II. Last evaluated: 2022-06-30. Review status: criteria provided, single submitter. Criteria: Invitae Variant Classification Sherloc (09022015). Collection method: clinical testing. Allele origin: germline.
Comment: This sequence change replaces arginine, which is basic and polar, with lysine, which is basic and polar, at codon 527 of the GAA protein (p.Arg527Lys). This variant is not present in population databases (gnomAD no frequency). This variant has not been reported in the literature in individuals affected with GAA-related conditions. Advanced modeling of protein sequence and biophysical properties (such as structural, functional, and spatial information, amino acid conservation, physicochemical variation, residue mobility, and thermodynamic stability) performed at Invitae indicates that this missense variant is not expected to disrupt GAA protein function. In summary, the available evidence is currently insufficient to determine the role of this variant in disease. Therefore, it has been classified as a Variant of Uncertain Significance.

NM_000152.5(GAA):c.1580G>A (p.Arg527Lys)

Gene: GAA (alpha glucosidase; plus strand). Cytogenetic location: 17q25.3.
Variant type: single nucleotide variant.
Coding change: c.1580G>A on transcript NM_000152.5 (MANE Select); coding-DNA position 1580, G replaced by A.
Protein change: p.Arg527Lys; replaces arginine 527 with lysine.
Molecular consequence: missense variant.
Genome position (GRCh38, 1-based): chr17:80,110,969, G>A. VCF-style: chr17-80110969-G-A. GRCh37 (hg19) VCF-style: chr17-78084768-G-A.
Other names: c.1580G>A, p.Arg527Lys (NM_001079803.3, NM_001079804.3, NM_001406741.1 and 1 more transcripts); short protein forms R527K.
Identifiers: ClinVar variation 2000728 (VCV002000728.1), dbSNP rs2510374822, ClinGen allele CA401367243.